The following is an entry in ClinVar:

NM_001354930.2(RIPK1):c.1713G>C (p.Lys571Asn)

Gene: RIPK1 (receptor interacting serine/threonine kinase 1; plus strand). Cytogenetic location: 6p25.2.
Variant type: single nucleotide variant.
Coding change: c.1713G>C on transcript NM_001354930.2 (MANE Select); coding-DNA position 1713, G replaced by C.
Protein change: p.Lys571Asn; replaces lysine 571 with asparagine.
Molecular consequence: missense variant.
Genome position (GRCh38, 1-based): chr6:3,110,939, G>C. VCF-style: chr6-3110939-G-C. GRCh37 (hg19) VCF-style: chr6-3111173-G-C.
Other names: c.1224G>C, p.Lys408Asn (NM_001317061.3, NM_001354932.2, NM_001354933.2 and 1 more transcripts); c.1575G>C, p.Lys525Asn (NM_001354931.2); c.1713G>C, p.Lys571Asn (NM_003804.6); short protein forms K525N, K408N, K571N.
Identifiers: ClinVar variation 1514825 (VCV001514825.6), dbSNP rs2113716883, ClinGen allele CA362576985.

ClinVar aggregate classification (germline): Uncertain significance (1 of 4 stars; one submission).

Submission:

Labcorp Genetics (formerly Invitae), Labcorp
Classification: Uncertain significance. Last evaluated: 2021-03-07. Review status: criteria provided, single submitter. Criteria: Invitae Variant Classification Sherloc (09022015). Collection method: clinical testing. Allele origin: germline.
Comment: This variant has not been reported in the literature in individuals with RIPK1-related conditions. In summary, the available evidence is currently insufficient to determine the role of this variant in disease. Therefore, it has been classified as a Variant of Uncertain Significance. Algorithms developed to predict the effect of missense changes on protein structure and function are either unavailable or do not agree on the potential impact of this missense change (SIFT: "Not Available"; PolyPhen-2: "Possibly Damaging"; Align-GVGD: "Not Available"). This variant is not present in population databases (ExAC no frequency). This sequence change replaces lysine with asparagine at codon 571 of the RIPK1 protein (p.Lys571Asn). The lysine residue is moderately conserved and there is a moderate physicochemical difference between lysine and asparagine.